The following is an entry in ClinVar:

ClinVar aggregate classification (germline): Uncertain significance. Review status: criteria provided, multiple submitters, no conflicts (2 of 4 stars). 4 submissions from 4 submitters: Uncertain significance (4). Last evaluated 2026-02-04.

Conditions:
Inborn genetic diseases. Identifiers: MedGen C0950123, MeSH D030342.

Allele frequency attached by ClinVar (database versions not stated): gnomAD 0.00001; gnomAD exomes 0.00002; ExAC 0.00003; TOPMed 0.00003.
gnomAD v4.1: 33 of 1,614,058 alleles (0.002%); highest among the groups gnomAD compares: Admixed American, 0.0083%; no homozygotes.

Submissions (4):

Women's Health and Genetics/Laboratory Corporation of America, LabCorp
Classification: Uncertain significance. Last evaluated: 2026-02-04. Review status: criteria provided, single submitter. Criteria: LabCorp Variant Classification Summary - May 2015. Collection method: clinical testing. Allele origin: germline.
Comment: Variant summary: DNM1L c.1724G>A (p.Gly575Asp) results in a non-conservative amino acid change in the encoded protein sequence. Algorithms developed to predict the effect of missense changes on protein structure and function are either unavailable or do not agree on the potential impact of this missense change. The variant allele was found at a frequency of 2.4e-05 in 251400 control chromosomes. The available data on variant occurrences in the general population are insufficient to allow any conclusion about variant significance. To our knowledge, no occurrence of c.1724G>A in individuals affected with DNM1L-related conditions and no experimental evidence demonstrating its impact on protein function have been reported. ClinVar contains an entry for this variant (Variation ID: 1397811). Based on the evidence outlined above, the variant was classified as uncertain significance.

Labcorp Genetics (formerly Invitae), Labcorp
Classification: Uncertain significance. Last evaluated: 2025-09-24. Review status: criteria provided, single submitter. Criteria: Invitae Variant Classification Sherloc (09022015). Collection method: clinical testing. Allele origin: germline.
Comment: This sequence change replaces glycine, which is neutral and non-polar, with aspartic acid, which is acidic and polar, at codon 575 of the DNM1L protein (p.Gly575Asp). This variant is present in population databases (rs746931612, gnomAD 0.009%). This variant has not been reported in the literature in individuals affected with DNM1L-related conditions. ClinVar contains an entry for this variant (Variation ID: 1397811). An algorithm developed to predict the effect of missense changes on protein structure and function (PolyPhen-2) suggests that this variant is likely to be tolerated. In summary, the available evidence is currently insufficient to determine the role of this variant in disease. Therefore, it has been classified as a Variant of Uncertain Significance.

Ambry Genetics
Classification: Uncertain significance for Inborn genetic diseases. Last evaluated: 2025-05-04. Review status: criteria provided, single submitter. Criteria: Ambry Variant Classification Scheme 2023. Collection method: clinical testing. Allele origin: germline.

GeneDx
Classification: Uncertain significance. Last evaluated: 2024-02-27. Review status: criteria provided, single submitter. Criteria: GeneDx Variant Classification Process June 2021. Collection method: clinical testing. Allele origin: germline. Affected: yes.
Comment: In silico analysis supports that this missense variant does not alter protein structure/function; Has not been previously published as pathogenic or benign to our knowledge

NM_012062.5(DNM1L):c.1724G>A (p.Gly575Asp)

Gene: DNM1L (dynamin 1 like; plus strand). Cytogenetic location: 12p11.21.
Variant type: single nucleotide variant.
Coding change: c.1724G>A on transcript NM_012062.5 (MANE Select); coding-DNA position 1724, G replaced by A.
Protein change: p.Gly575Asp; replaces glycine 575 with aspartic acid.
Molecular consequence: missense variant.
Genome position (GRCh38, 1-based): chr12:32,740,080, G>A. VCF-style: chr12-32740080-G-A. GRCh37 (hg19) VCF-style: chr12-32893014-G-A.
Other names: c.1691G>A, p.Gly564Asp (NM_001278463.2); c.1763G>A, p.Gly588Asp (NM_001278464.2); c.1730G>A, p.Gly577Asp (NM_001278465.2); c.1115G>A, p.Gly372Asp (NM_001278466.2); c.1652G>A, p.Gly551Asp (NM_001330380.2); c.1613G>A, p.Gly538Asp (NM_005690.5); c.1646G>A, p.Gly549Asp (NM_012063.4); c.1724G>A (NM_012062.3); short protein forms G538D, G575D, G372D, G549D, G551D, G564D, G577D, G588D.
Identifiers: ClinVar variation 1397811 (VCV001397811.11), dbSNP rs746931612, ClinGen allele CA6507690.
Genomic context (GRCh38, chr12:32,740,080, plus strand): 5'-TCAGATATGATGTGGTTGGTATGTTTTGGAACATGTTTTTTCAGGTTGCATCTGGAGGTG[G>A]TGGGGTTGGAGATGGTGTTCAAGAACCAACCACAGGCAACTGGAGAGGAATGCTGAAAAC-3'
Protein context (NP_036192.2, residues 565-585): RETKNVASGG[Gly575Asp]GVGDGVQEPT